The following is an entry in ClinVar:

ClinVar aggregate classification (germline): Benign/Likely benign. Review status: criteria provided, multiple submitters, no conflicts (2 of 4 stars). 3 submissions from 3 submitters: Benign (1); Likely benign (2). Last evaluated 2026-02-01.

Conditions:
Menkes kinky-hair syndrome (MNK). Also called: Menkes Disease; Classic Menkes Disease; Copper transport disease. Identifiers: Orphanet 565, MedGen C0022716, MONDO:0010651, OMIM 309400.
X-linked distal spinal muscular atrophy type 3. Also called: ATP7A-Related Distal Motor Neuropathy; SPINAL MUSCULAR ATROPHY, DISTAL, X-LINKED RECESSIVE; NEURONOPATHY, DISTAL HEREDITARY MOTOR, X-LINKED; NEUROPATHY, DISTAL HEREDITARY MOTOR, X-LINKED. Identifiers: Orphanet 139557, MedGen C1845359, MONDO:0010338, OMIM 300489.
Cutis laxa, X-linked (OHS). Also called: EDS IX; Occipital horn syndrome. Identifiers: Orphanet 198, MedGen C0268353, MONDO:0010572, OMIM 304150.

Allele frequency attached by ClinVar (database versions not stated): ESP Exome Variant Server 0.00019; gnomAD 0.00033 and 0.00036; TOPMed 0.00037; gnomAD exomes 0.00043 and 0.00079; ExAC 0.00046.
gnomAD v4.1: 882 of 1,208,599 alleles (0.073%); highest among the groups gnomAD compares: Non-Finnish European, 0.095%; no homozygotes.

Submissions (3):

Labcorp Genetics (formerly Invitae), Labcorp
Classification: Benign for X-linked distal spinal muscular atrophy type 3; Cutis laxa, X-linked; Menkes kinky-hair syndrome. Last evaluated: 2026-02-01. Review status: criteria provided, single submitter. Criteria: Invitae Variant Classification Sherloc (09022015). Collection method: clinical testing. Allele origin: germline.

Blueprint Genetics
Classification: Likely benign. Last evaluated: 2024-08-29. Review status: criteria provided, single submitter. Criteria: ACMG Guidelines, 2015. Collection method: clinical testing. Allele origin: germline.

GeneDx
Classification: Likely benign. Last evaluated: 2017-11-15. Review status: criteria provided, single submitter. Criteria: GeneDx Variant Classification (06012015). Collection method: clinical testing. Allele origin: germline. Affected: yes.
Comment: This variant is considered likely benign or benign based on one or more of the following criteria: it is a conservative change, it occurs at a poorly conserved position in the protein, it is predicted to be benign by multiple in silico algorithms, and/or has population frequency not consistent with disease.

NM_000052.7(ATP7A):c.610+19A>G

Gene: ATP7A (ATPase copper transporting alpha; plus strand). Cytogenetic location: Xq21.1.
Variant type: single nucleotide variant.
Coding change: c.610+19A>G on transcript NM_000052.7 (MANE Select); 19 bases into the intron after coding-DNA position 610, A replaced by G.
Molecular consequence: intron variant.
Genome position (GRCh38, 1-based): chrX:77,988,750, A>G. VCF-style: chrX-77988750-A-G. GRCh37 (hg19) VCF-style: chrX-77244246-A-G.
Other names: c.610+19A>G (NM_001282224.2).
Identifiers: ClinVar variation 516668 (VCV000516668.10), dbSNP rs367724628, ClinGen allele CA10458938.